The following is an entry in ClinVar:

ClinVar aggregate classification (germline): Uncertain significance (1 of 4 stars; one submission).

Submission:

Labcorp Genetics (formerly Invitae), Labcorp
Classification: Uncertain significance. Last evaluated: 2025-07-11. Review status: criteria provided, single submitter. Criteria: Invitae Variant Classification Sherloc (09022015). Collection method: clinical testing. Allele origin: germline.
Comment: This sequence change replaces leucine, which is neutral and non-polar, with proline, which is neutral and non-polar, at codon 27 of the NEUROD1 protein (p.Leu27Pro). This variant is not present in population databases (gnomAD no frequency). This variant has not been reported in the literature in individuals affected with NEUROD1-related conditions. Invitae Evidence Modeling of protein sequence and biophysical properties (such as structural, functional, and spatial information, amino acid conservation, physicochemical variation, residue mobility, and thermodynamic stability) indicates that this missense variant is not expected to disrupt NEUROD1 protein function with a negative predictive value of 80%. In summary, the available evidence is currently insufficient to determine the role of this variant in disease. Therefore, it has been classified as a Variant of Uncertain Significance.

NM_002500.5(NEUROD1):c.80T>C (p.Leu27Pro)

Gene: NEUROD1 (neuronal differentiation 1; minus strand). Cytogenetic location: 2q31.3.
Variant type: single nucleotide variant.
Coding change: c.80T>C on transcript NM_002500.5 (MANE Select); coding-DNA position 80, T replaced by C.
Protein change: p.Leu27Pro; replaces leucine 27 with proline.
Molecular consequence: missense variant.
Genome position (GRCh38, 1-based): chr2:181,678,781, A>G on the plus strand (T>C on the coding strand, the complement: NEUROD1 is on the minus strand). VCF-style: chr2-181678781-A-G. GRCh37 (hg19) VCF-style: chr2-182543508-A-G.
Other names: short protein forms L27P.
Identifiers: ClinVar variation 4746434 (VCV004746434.1).